The following is an entry in ClinVar:

NM_001277115.2(DNAH11):c.6066C>T (p.Asp2022=)

Gene: DNAH11 (dynein axonemal heavy chain 11; plus strand). Cytogenetic location: 7p15.3.
Variant type: single nucleotide variant.
Coding change: c.6066C>T on transcript NM_001277115.2 (MANE Select); coding-DNA position 6066, C replaced by T.
Protein change: p.Asp2022=; no amino-acid change (aspartic acid 2022 retained).
Molecular consequence: synonymous variant.
Genome position (GRCh38, 1-based): chr7:21,698,099, C>T. VCF-style: chr7-21698099-C-T. GRCh37 (hg19) VCF-style: chr7-21737717-C-T.
Other names: c.6087C>T, p.Asp2029= (NM_003777.3); c.6066C>T (NM_001277115.1).
Identifiers: ClinVar variation 2428010 (VCV002428010.16), dbSNP rs1375746789, ClinGen allele CA453964193.

ClinVar aggregate classification (germline): Benign. Review status: criteria provided, single submitter (1 of 4 stars). 2 submissions from 2 submitters: Benign (1). 1 of the submissions does not count toward it. Last evaluated 2024-06-19.

Conditions:
DNAH11-related disorder. Also called: DNAH11-related condition.
Primary ciliary dyskinesia. Also called: Ciliary dyskinesia. Identifiers: Orphanet 244, MedGen C0008780, MONDO:0016575, HP:0012265.

Allele frequency attached by ClinVar (database versions not stated): gnomAD 0.00003; gnomAD exomes 0.00003.
gnomAD v4.1: 43 of 1,612,962 alleles (0.0027%); highest among the groups gnomAD compares: African/African-American, 0.0053%; no homozygotes.

Submissions (2):

Labcorp Genetics (formerly Invitae), Labcorp
Classification: Benign for Primary ciliary dyskinesia. Last evaluated: 2024-06-19. Review status: criteria provided, single submitter. Criteria: Invitae Variant Classification Sherloc (09022015). Collection method: clinical testing. Allele origin: germline.

PreventionGenetics, part of Exact Sciences
Classification: Likely benign for DNAH11-related condition. Last evaluated: 2019-07-22. Review status: no assertion criteria provided. Collection method: clinical testing. Allele origin: germline. Not counted in ClinVar's aggregate classification.
Comment: This variant is classified as likely benign based on ACMG/AMP sequence variant interpretation guidelines (Richards et al. 2015 PMID: 25741868, with internal and published modifications).